The following is an entry in ClinVar:

NM_001103146.3(GIGYF2):c.3855G>A (p.Ser1285=)

Gene: GIGYF2 (GRB10 interacting GYF protein 2; plus strand). Cytogenetic location: 2q37.1.
Variant type: single nucleotide variant.
Coding change: c.3855G>A on transcript NM_001103146.3 (MANE Select); coding-DNA position 3855, G replaced by A.
Protein change: p.Ser1285=; no amino-acid change (serine 1285 retained).
Molecular consequence: synonymous variant. On other transcripts: non-coding transcript variant (1).
Genome position (GRCh38, 1-based): chr2:232,856,815, G>A. VCF-style: chr2-232856815-G-A. GRCh37 (hg19) VCF-style: chr2-233721525-G-A.
Other names: p.Ser1285=; c.3855G>A (NM_001103146.2); c.3918G>A, p.Ser1306= (NM_001103147.2); c.3837G>A, p.Ser1279= (NM_001103148.2); c.3855G>A, p.Ser1285= (NM_015575.4).
Identifiers: ClinVar variation 3038024 (VCV003038024.3), dbSNP rs34424361, ClinGen allele CA2171010.

ClinVar aggregate classification (germline): Benign. Review status: criteria provided, single submitter (1 of 4 stars). 2 submissions from 2 submitters: Benign (1). 1 of the submissions does not count toward it. Last evaluated 2022-03-24.

Conditions:
GIGYF2-related disorder. Also called: GIGYF2-related condition.

Allele frequency attached by ClinVar (database versions not stated): ESP Exome Variant Server 0.01430; 1000 Genomes Project 30x 0.00750; 1000 Genomes Project 0.00759; TOPMed 0.01166; gnomAD 0.01570; ExAC 0.01626; gnomAD exomes 0.01852.
gnomAD v4.1: 29,253 of 1,613,144 alleles (1.8%); highest among the groups gnomAD compares: Non-Finnish European, 1.9%; 332 homozygotes.

Submissions (2):

Mayo Clinic Laboratories, Mayo Clinic
Classification: Benign. Last evaluated: 2022-03-24. Review status: criteria provided, single submitter. Criteria: ACMG Guidelines, 2015. Collection method: clinical testing. Allele origin: germline. Observed: 16 variant alleles.

PreventionGenetics, part of Exact Sciences
Classification: Benign for GIGYF2-related condition. Last evaluated: 2019-04-15. Review status: no assertion criteria provided. Collection method: clinical testing. Allele origin: germline. Not counted in ClinVar's aggregate classification.
Comment: This variant is classified as benign based on ACMG/AMP sequence variant interpretation guidelines (Richards et al. 2015 PMID: 25741868, with internal and published modifications).